The following is an entry in ClinVar:

NM_001287491.2(TET3):c.1934C>T (p.Pro645Leu)

Gene: TET3 (tet methylcytosine dioxygenase 3; plus strand). Cytogenetic location: 2p13.1.
Variant type: single nucleotide variant.
Coding change: c.1934C>T on transcript NM_001287491.2 (MANE Select); coding-DNA position 1934, C replaced by T.
Protein change: p.Pro645Leu; replaces proline 645 with leucine.
Molecular consequence: missense variant.
Genome position (GRCh38, 1-based): chr2:74,047,851, C>T. VCF-style: chr2-74047851-C-T. GRCh37 (hg19) VCF-style: chr2-74274978-C-T.
Other names: c.1655C>T, p.Pro552Leu (NM_001366022.1); short protein forms P552L, P645L.
Identifiers: ClinVar variation 790507 (VCV000790507.31), dbSNP rs201583228, ClinGen allele CA1718707.

ClinVar aggregate classification (germline): Benign/Likely benign. Review status: criteria provided, multiple submitters, no conflicts (2 of 4 stars). 5 submissions from 5 submitters: Benign (2); Likely benign (2). 1 of the submissions does not count toward it. Last evaluated 2026-03-01.

Conditions:
TET3-related disorder. Also called: TET3-Related Disease; TET3-related condition.

Allele frequency attached by ClinVar (database versions not stated): gnomAD 0.00447 and 0.00412; TOPMed 0.00468; ESP Exome Variant Server 0.00509; gnomAD exomes 0.00041 and 0.00095; ExAC 0.00123; 1000 Genomes Project 0.00280; 1000 Genomes Project 30x 0.00297.
gnomAD v4.1: 1,238 of 1,612,450 alleles (0.077%); highest among the groups gnomAD compares: African/African-American, 1.4%; 5 homozygotes.

Submissions (5):

CeGaT Center for Human Genetics Tuebingen
Classification: Likely benign. Last evaluated: 2026-03-01. Review status: criteria provided, single submitter. Criteria: CeGaT Center For Human Genetics Tuebingen Variant Classification Criteria Version 2. Collection method: clinical testing. Allele origin: germline. Affected: yes. Observed: 4 variant alleles.
Comment: TET3: BP4, BS1

Blueprint Genetics
Classification: Likely benign. Last evaluated: 2024-11-05. Review status: criteria provided, single submitter. Criteria: ACMG Guidelines, 2015. Collection method: clinical testing. Allele origin: germline.

Labcorp Genetics (formerly Invitae), Labcorp
Classification: Benign. Last evaluated: 2019-12-31. Review status: criteria provided, single submitter. Criteria: Invitae Variant Classification Sherloc (09022015). Collection method: clinical testing. Allele origin: germline.

Breakthrough Genomics
Classification: Benign. Review status: criteria provided, single submitter. Criteria: ACMG Guidelines, 2015. Collection method: not provided. Allele origin: germline. Inheritance: Autosomal dominant inheritance. Affected: yes.

PreventionGenetics, part of Exact Sciences
Classification: Benign for TET3-related condition. Last evaluated: 2020-02-18. Review status: no assertion criteria provided. Collection method: clinical testing. Allele origin: germline. Not counted in ClinVar's aggregate classification.
Comment: This variant is classified as benign based on ACMG/AMP sequence variant interpretation guidelines (Richards et al. 2015 PMID: 25741868, with internal and published modifications).